The following is an entry in ClinVar:

ClinVar aggregate classification (germline): Uncertain significance (1 of 4 stars; one submission).

Submission:

GeneDx
Classification: Uncertain significance. Last evaluated: 2024-08-06. Review status: criteria provided, single submitter. Criteria: GeneDx Variant Classification Process June 2021. Collection method: clinical testing. Allele origin: germline. Affected: yes.
Comment: Not observed at significant frequency in large population cohorts (gnomAD); In silico analysis supports that this missense variant has a deleterious effect on protein structure/function; Has not been previously published as pathogenic or benign to our knowledge

NM_015107.3(PHF8):c.2552C>G (p.Pro851Arg)

Gene: PHF8 (PHD finger protein 8; minus strand). Cytogenetic location: Xp11.22.
Variant type: single nucleotide variant.
Coding change: c.2552C>G on transcript NM_015107.3 (MANE Select); coding-DNA position 2552, C replaced by G.
Protein change: p.Pro851Arg; replaces proline 851 with arginine.
Molecular consequence: missense variant.
Genome position (GRCh38, 1-based): chrX:53,944,231, G>C on the plus strand (C>G on the coding strand, the complement: PHF8 is on the minus strand). VCF-style: chrX-53944231-G-C. GRCh37 (hg19) VCF-style: chrX-53970664-G-C.
Other names: c.2660C>G, p.Pro887Arg (NM_001184896.1); c.2249C>G, p.Pro750Arg (NM_001184897.2); c.2501C>G, p.Pro834Arg (NM_001184898.2); short protein forms P750R, P834R, P851R, P887R.
Identifiers: ClinVar variation 3603189 (VCV003603189.1).